The following is an entry in ClinVar:

NM_018668.5(VPS33B):c.454CTG[1] (p.Leu153del)

Gene: VPS33B (VPS33B late endosome and lysosome associated; minus strand). Cytogenetic location: 15q26.1.
Variant type: Microsatellite.
Coding change: c.454CTG[1] on transcript NM_018668.5 (MANE Select); one copy of the 3-base unit CTG starting at c.454; the reference has two copies in a row; one copy, 3 bases deleted; also written c.457_459del.
Protein change: p.Leu153del; deletes leucine 153.
Molecular consequence: inframe deletion.
Genome position (GRCh38, 1-based): chr15:91,007,909-91,007,911, CAG deleted on the plus strand (CTG on the coding strand, the reverse complement: VPS33B is on the minus strand); deleting any 3 consecutive bases within chr15:91,007,909-91,007,914 gives the same sequence; the position shown is the placement nearest the transcript's 3' end. VCF-style (leftmost placement, unchanged base first): chr15-91007908-TCAG-T. GRCh37 (hg19) VCF-style: chr15-91551138-TCAG-T.
Other names: c.373CTG[1], p.Leu126del (NM_001289148.1); c.181CTG[1], p.Leu62del (NM_001289149.1); c.457_459del (NM_018668.5); short protein forms L126del, L153del, L62del.
Identifiers: ClinVar variation 2431409 (VCV002431409.1), dbSNP rs2544234832, ClinGen allele CA2580613333.

ClinVar aggregate classification (germline): Likely pathogenic (1 of 4 stars; one submission).

Conditions:
Arthrogryposis, renal dysfunction, and cholestasis 1 (ARCS1). Identifiers: Orphanet 2697, MedGen C1859722, MONDO:0008822, OMIM 208085.

Submission:

Laboratorio de Genetica e Diagnostico Molecular, Hospital Israelita Albert Einstein
Classification: Likely pathogenic for Arthrogryposis, renal dysfunction, and cholestasis 1. Last evaluated: 2022-04-01. Review status: criteria provided, single submitter. Criteria: ACMG Guidelines, 2015. Collection method: clinical testing. Allele origin: germline. Affected: yes. Observed: 1 variant allele.
Comment: ACMG classification criteria: PM2 moderated, PM3 supporting, PM4, PP4